The following is an entry in ClinVar:

NM_152268.4(PARS2):c.94T>C (p.Cys32Arg)

Gene: PARS2 (prolyl-tRNA synthetase 2, mitochondrial; minus strand). Cytogenetic location: 1p32.3.
Variant type: single nucleotide variant.
Coding change: c.94T>C on transcript NM_152268.4 (MANE Select); coding-DNA position 94, T replaced by C.
Protein change: p.Cys32Arg; replaces cysteine 32 with arginine.
Molecular consequence: missense variant.
Genome position (GRCh38, 1-based): chr1:54,759,068, A>G on the plus strand (T>C on the coding strand, the complement: PARS2 is on the minus strand). VCF-style: chr1-54759068-A-G. GRCh37 (hg19) VCF-style: chr1-55224741-A-G.
Other names: short protein forms C32R.
Identifiers: ClinVar variation 1393765 (VCV001393765.7), dbSNP rs759190336, ClinGen allele CA869552.
Genomic context (GRCh38, chr1:54,759,068, plus strand): 5'-GAAGGTTCTGTGGCTGGAACACACGAGACAGCAGCAGGCGCCGCCCTCTTCTTGGGGCAC[A>G]GTGGTGAAACCTGCAAGGAACATACCCAGAGAGCTGGCGGCTGCAGGTGGCCAGGGCGGG-3'
Protein context (NP_689481.2, residues 22-42): SGYVPCRFHH[Cys32Arg]APRRGRRLLL

ClinVar aggregate classification (germline): Uncertain significance (1 of 4 stars; one submission).

Allele frequency attached by ClinVar (database versions not stated): TOPMed below 0.00001; gnomAD 0.00001; ExAC 0.00002; gnomAD exomes 0.00002.

Submission:

Labcorp Genetics (formerly Invitae), Labcorp
Classification: Uncertain significance. Last evaluated: 2021-12-02. Review status: criteria provided, single submitter. Criteria: Invitae Variant Classification Sherloc (09022015). Collection method: clinical testing. Allele origin: germline.
Comment: This variant has not been reported in the literature in individuals affected with PARS2-related conditions. In summary, the available evidence is currently insufficient to determine the role of this variant in disease. Therefore, it has been classified as a Variant of Uncertain Significance. Algorithms developed to predict the effect of missense changes on protein structure and function output the following: SIFT: "Tolerated"; PolyPhen-2: "Benign"; Align-GVGD: "Class C0". The arginine amino acid residue is found in multiple mammalian species, which suggests that this missense change does not adversely affect protein function. This variant is present in population databases (rs759190336, gnomAD 0.006%). This sequence change replaces cysteine, which is neutral and slightly polar, with arginine, which is basic and polar, at codon 32 of the PARS2 protein (p.Cys32Arg).